The following is an entry in ClinVar:

ClinVar aggregate classification (germline): Likely pathogenic (1 of 4 stars; one submission).

Conditions:
Propionic acidemia (PROP). Also called: GLYCINEMIA, KETOTIC; HYPERGLYCINEMIA WITH KETOACIDOSIS AND LEUKOPENIA; KETOTIC HYPERGLYCINEMIA. Identifiers: Orphanet 35, MedGen C0268579, MONDO:0011628, OMIM 606054, HP:0003571.

Submission:

Myriad Genetics, Inc.
Classification: Likely pathogenic for Propionic acidemia. Last evaluated: 2022-03-20. Review status: criteria provided, single submitter. Criteria: Myriad Women's Health Autosomal Recessive and X-Linked Classification Criteria (2021). Collection method: clinical testing. Allele origin: unknown.
Comment: NM_000532.4(PCCB):c.923T>A(L308*) is expected to be pathogenic in the context of PCCB-related propionic acidemia. This variant is predicted to lead to an abnormal or absent protein product due to the creation of a premature termination codon in PCCB, a gene where loss-of-function variants are known to be pathogenic. Please note: this variant was assessed in the context of healthy population screening.

NM_000532.5(PCCB):c.923T>A (p.Leu308Ter)

Gene: PCCB (propionyl-CoA carboxylase subunit beta; plus strand). Cytogenetic location: 3q22.3.
Variant type: single nucleotide variant.
Coding change: c.923T>A on transcript NM_000532.5 (MANE Select); coding-DNA position 923, T replaced by A.
Protein change: p.Leu308Ter; replaces leucine 308 with a stop codon.
Molecular consequence: nonsense.
Genome position (GRCh38, 1-based): chr3:136,301,068, T>A. VCF-style: chr3-136301068-T-A. GRCh37 (hg19) VCF-style: chr3-136019910-T-A.
Other names: c.983T>A, p.Leu328Ter (NM_001178014.2); short protein forms L308*, L328*.
Identifiers: ClinVar variation 1725408 (VCV001725408.2), dbSNP rs2529894056, ClinGen allele CA354645664.
Genomic context (GRCh38, chr3:136,301,068, plus strand): 5'-CCTGCCTTTTTTCTGCCTAAAGTGACCGTCTGGTTCCTGAGCTTGACACAATTGTCCCTT[T>A]GGAATCAACCAAAGCCTACAACATGGTGGACATCATACACTCTGTAAGTGCCACATCTGT-3'